The following is an entry in ClinVar:

NM_001010867.4(IBA57):c.778T>C (p.Tyr260His)

Gene: IBA57 (iron-sulfur cluster assembly factor IBA57; plus strand). Cytogenetic location: 1q42.13.
Variant type: single nucleotide variant.
Coding change: c.778T>C on transcript NM_001010867.4 (MANE Select); coding-DNA position 778, T replaced by C.
Protein change: p.Tyr260His; replaces tyrosine 260 with histidine.
Molecular consequence: missense variant.
Genome position (GRCh38, 1-based): chr1:228,175,220, T>C. VCF-style: chr1-228175220-T-C. GRCh37 (hg19) VCF-style: chr1-228362921-T-C.
Other names: c.199T>C, p.Tyr67His (NM_001310327.2); short protein forms Y260H, Y67H.
Identifiers: ClinVar variation 2627432 (VCV002627432.1), dbSNP rs2527920663, ClinGen allele CA345115225.
Genomic context (GRCh38, chr1:228,175,220, plus strand): 5'-GCCCTGCCCCTGGAGTCCAACCTGGCCTTCATGAACGGCGTGAGCTTCACCAAAGGCTGC[T>C]ACATTGGCCAGGAGCTGACGGCCCGCACCCACCACATGGGCGTCATCCGCAAGCGCCTCT-3'
Protein context (NP_001010867.1, residues 250-270): MNGVSFTKGC[Tyr260His]IGQELTARTH

ClinVar aggregate classification (germline): Uncertain significance (1 of 4 stars; one submission).

Conditions:
Multiple mitochondrial dysfunctions syndrome 3 (MMDS3). Identifiers: Orphanet 363424, MedGen C3809165, MONDO:0014132, OMIM 615330.

Submission:

Neuberg Centre For Genomic Medicine, NCGM
Classification: Uncertain significance for Multiple mitochondrial dysfunctions syndrome 3. Review status: criteria provided, single submitter. Criteria: ACMG Guidelines, 2015. Collection method: clinical testing. Allele origin: germline. Inheritance: Autosomal recessive inheritance. Affected: yes.
Comment: The missense variant p.Y260H in IBA57 (NM_001010867.4) has not been reported previously as a pathogenic or a benign variant. The p.Y260H variant is novel (not in any individuals) in gnomAD Exomes and is novel (not in any individuals) in 1000 Genomes. The p.Y260H missense variant is predicted to be damaging by both SIFT and PolyPhen2. The tyrosine residue at codon 260 of IBA57 is conserved in all mammalian species. The nucleotide c.778 in IBA57 is predicted conserved by GERP++ and PhyloP across 100 vertebrates. For these reasons, this variant has been classified as Uncertain Significance.